The following is an entry in ClinVar:

NM_001122764.3(PPOX):c.245C>T (p.Ser82Leu)

Gene: PPOX (protoporphyrinogen oxidase; plus strand). Cytogenetic location: 1q23.3.
Variant type: single nucleotide variant.
Coding change: c.245C>T on transcript NM_001122764.3 (MANE Select); coding-DNA position 245, C replaced by T.
Protein change: p.Ser82Leu; replaces serine 82 with leucine.
Molecular consequence: missense variant. On other transcripts: 5 prime UTR variant (3), intron variant (2).
Genome position (GRCh38, 1-based): chr1:161,167,393, C>T. VCF-style: chr1-161167393-C-T. GRCh37 (hg19) VCF-style: chr1-161137183-C-T.
Other names: c.245C>T, p.Ser82Leu (NM_000309.5, NM_001365398.1, NM_001365399.1); c.260C>T, p.Ser87Leu (NM_001350128.2); c.-183C>T (NM_001350129.2); c.-242C>T (NM_001350130.2); c.-128C>T (NM_001350131.2); c.-90+159C>T (NM_001365400.1); c.-149+159C>T (NM_001365401.1); short protein forms S82L, S87L.
Identifiers: ClinVar variation 2662309 (VCV002662309.1), dbSNP rs1052597066, ClinGen allele CA31632602.
Genomic context (GRCh38, chr1:161,167,393, plus strand): 5'-CCTTAGTTTCTCCTCTTCTGAGGGCATGTGGAGAGCAGGTTTCTGAGCTTGGCTTGGATT[C>T]AGAAGTGCTGCCTGTCCGGGGAGACCACCCAGCTGCCCAGAACAGGTTCCTCTACGTGGG-3'
Protein context (NP_001116236.1, residues 72-92): LLLVSELGLD[Ser82Leu]EVLPVRGDHP

ClinVar aggregate classification (germline): Uncertain significance (1 of 4 stars; one submission).

Submission:

GeneDx
Classification: Uncertain significance. Last evaluated: 2023-05-12. Review status: criteria provided, single submitter. Criteria: GeneDx Variant Classification Process June 2021. Collection method: clinical testing. Allele origin: germline. Affected: yes.
Comment: Not observed at significant frequency in large population cohorts (gnomAD); In silico analysis supports that this missense variant has a deleterious effect on protein structure/function; Has not been previously published as pathogenic or benign to our knowledge